The following is an entry in ClinVar:

NM_025114.4(CEP290):c.1038T>C (p.Asp346=)

Gene: CEP290 (centrosomal protein 290; minus strand). Cytogenetic location: 12q21.32.
Variant type: single nucleotide variant.
Coding change: c.1038T>C on transcript NM_025114.4 (MANE Select); coding-DNA position 1038, T replaced by C.
Protein change: p.Asp346=; no amino-acid change (aspartic acid 346 retained).
Molecular consequence: synonymous variant.
Genome position (GRCh38, 1-based): chr12:88,126,343, A>G on the plus strand (T>C on the coding strand, the complement: CEP290 is on the minus strand). VCF-style: chr12-88126343-A-G. GRCh37 (hg19) VCF-style: chr12-88520120-A-G.
Identifiers: ClinVar variation 3345132 (VCV003345132.1).

ClinVar aggregate classification (germline): Likely benign (0 of 4 stars; one submission).

Conditions:
CEP290-related disorder. Also called: CEP290-related condition; CEP290-related disorders. Identifiers: MedGen CN239314.

Submission:

PreventionGenetics, part of Exact Sciences
Classification: Likely benign for CEP290-related condition. Last evaluated: 2024-08-07. Review status: no assertion criteria provided. Collection method: clinical testing. Allele origin: germline.
Comment: This variant is classified as likely benign based on ACMG/AMP sequence variant interpretation guidelines (Richards et al. 2015 PMID: 25741868, with internal and published modifications).